The following is an entry in ClinVar:

NM_004991.4(MECOM):c.2711C>T (p.Ala904Val)

Gene: MECOM (MDS1 and EVI1 complex locus; minus strand). Cytogenetic location: 3q26.2.
Variant type: single nucleotide variant.
Coding change: c.2711C>T on transcript NM_004991.4 (MANE Select); coding-DNA position 2711, C replaced by T.
Protein change: p.Ala904Val; replaces alanine 904 with valine.
Molecular consequence: missense variant.
Genome position (GRCh38, 1-based): chr3:169,102,120, G>A on the plus strand (C>T on the coding strand, the complement: MECOM is on the minus strand). VCF-style: chr3-169102120-G-A. GRCh37 (hg19) VCF-style: chr3-168819908-G-A.
Other names: c.2342C>T, p.Ala781Val (NM_001105077.4); c.2147C>T, p.Ala716Val (NM_001105078.4, NM_001205194.2, NM_001366469.2 and 1 more transcripts); c.2123C>T, p.Ala708Val (NM_001163999.2, NM_001366470.2); c.2120C>T, p.Ala707Val (NM_001164000.2, NM_001366471.2, NM_001366472.2); c.2684C>T, p.Ala895Val (NM_001366466.2); c.2150C>T, p.Ala717Val (NM_001366467.2, NM_001366468.2); c.1712C>T, p.Ala571Val (NM_001366473.2); c.1148C>T, p.Ala383Val (NM_001366474.2); short protein forms A781V, A707V, A716V, A717V, A383V, A571V, A708V, A895V.
Identifiers: ClinVar variation 3394278 (VCV003394278.4).

ClinVar aggregate classification (germline): Uncertain significance. Review status: criteria provided, multiple submitters, no conflicts (2 of 4 stars). 3 submissions from 3 submitters: Uncertain significance (3). Last evaluated 2025-10-21.

Conditions:
Inborn genetic diseases. Identifiers: MedGen C0950123, MeSH D030342.

gnomAD v4.1: 7 of 1,613,744 alleles (0.00043%); highest among the groups gnomAD compares: African/African-American, 0.0027%; no homozygotes.

Submissions (3):

Labcorp Genetics (formerly Invitae), Labcorp
Classification: Uncertain significance. Last evaluated: 2025-10-21. Review status: criteria provided, single submitter. Criteria: Invitae Variant Classification Sherloc (09022015). Collection method: clinical testing. Allele origin: germline.
Comment: This sequence change replaces alanine, which is neutral and non-polar, with valine, which is neutral and non-polar, at codon 716 of the MECOM protein (p.Ala716Val). This variant is present in population databases (no rsID available, gnomAD 0.007%). This variant has not been reported in the literature in individuals affected with MECOM-related conditions. ClinVar contains an entry for this variant (Variation ID: 3394278). An algorithm developed to predict the effect of missense changes on protein structure and function (PolyPhen-2) suggests that this variant is likely to be tolerated. In summary, the available evidence is currently insufficient to determine the role of this variant in disease. Therefore, it has been classified as a Variant of Uncertain Significance.

Ambry Genetics
Classification: Uncertain significance for Inborn genetic diseases. Last evaluated: 2024-11-22. Review status: criteria provided, single submitter. Criteria: Ambry Variant Classification Scheme 2023. Collection method: clinical testing. Allele origin: germline.
Comment: The p.A904V variant (also known as c.2711C>T), located in coding exon 11 of the MECOM gene, results from a C to T substitution at nucleotide position 2711. The alanine at codon 904 is replaced by valine, an amino acid with similar properties. This amino acid position is conserved. In addition, this alteration is predicted to be tolerated by in silico analysis. Based on the available evidence, the clinical significance of this variant remains unclear.

Women's Health and Genetics/Laboratory Corporation of America, LabCorp
Classification: Uncertain significance. Last evaluated: 2024-11-05. Review status: criteria provided, single submitter. Criteria: LabCorp Variant Classification Summary - May 2015. Collection method: clinical testing. Allele origin: germline.
Comment: Variant summary: MECOM c.2147C>T (p.Ala716Val) results in a non-conservative amino acid change in the encoded protein sequence. Four of five in-silico tools predict a damaging effect of the variant on protein function. The variant allele was found at a frequency of 4e-06 in 250848 control chromosomes. The available data on variant occurrences in the general population are insufficient to allow any conclusion about variant significance. To our knowledge, no occurrence of c.2147C>T in individuals affected with Radioulnar Synostosis With Amegakaryocytic Thrombocytopenia 2 and no experimental evidence demonstrating its impact on protein function have been reported. No submitters have cited clinical-significance assessments for this variant to ClinVar. Based on the evidence outlined above, the variant was classified as uncertain significance.